The following is an entry in ClinVar:

NM_000138.5(FBN1):c.5671G>C (p.Asp1891His)

Gene: FBN1 (fibrillin 1; minus strand). Cytogenetic location: 15q21.1.
Variant type: single nucleotide variant.
Coding change: c.5671G>C on transcript NM_000138.5 (MANE Select); coding-DNA position 5671, G replaced by C.
Protein change: p.Asp1891His; replaces aspartic acid 1891 with histidine.
Molecular consequence: missense variant.
Genome position (GRCh38, 1-based): chr15:48,448,768, C>G on the plus strand (G>C on the coding strand, the complement: FBN1 is on the minus strand). VCF-style: chr15-48448768-C-G. GRCh37 (hg19) VCF-style: chr15-48740965-C-G.
Other names: short protein forms D1891H.
Identifiers: ClinVar variation 36092 (VCV000036092.12), dbSNP rs193922216, ClinGen allele CA015930.

ClinVar aggregate classification (germline): Likely pathogenic. Review status: criteria provided, multiple submitters, no conflicts (2 of 4 stars). 2 submissions from 2 submitters: Likely pathogenic (2). Last evaluated 2019-10-16.

Conditions:
Familial thoracic aortic aneurysm and aortic dissection (TAAD). Also called: Thoracic aortic aneurysms and dissections. Identifiers: Orphanet 91387, MedGen C4707243, MONDO:0019625.
Marfan syndrome (MFS). Also called: FBN1-Related Marfan Syndrome; Marfan syndrome type 1; Marfan's syndrome; Marfan syndrome, classic; MARFAN SYNDROME, TYPE I. Identifiers: Orphanet 284963, Orphanet 558, MedGen C0024796, MONDO:0007947, OMIM 154700.

Submissions (2):

Labcorp Genetics (formerly Invitae), Labcorp
Classification: Likely pathogenic for Marfan syndrome; Familial thoracic aortic aneurysm and aortic dissection. Last evaluated: 2019-10-16. Review status: criteria provided, single submitter. Criteria: Invitae Variant Classification Sherloc (09022015). Collection method: clinical testing. Allele origin: germline.
Comment: Nucleotide substitutions within the consensus splice site are a relatively common cause of aberrant splicing (PMID: 17576681, 9536098). Algorithms developed to predict the effect of sequence changes on RNA splicing suggest that this variant may disrupt the consensus splice site, but this prediction has not been confirmed by published transcriptional studies. In summary, the currently available evidence indicates that the variant is pathogenic, but additional data are needed to prove that conclusively. Therefore, this variant has been classified as Likely Pathogenic. This variant has been observed in individual(s) with clinical features of Marfan syndrome (PMID: 20886638, Invitae). In at least one individual the variant was observed to be de novo. ClinVar contains an entry for this variant (Variation ID: 36092). This variant is not present in population databases (ExAC no frequency). This sequence change replaces aspartic acid with histidine at codon 1891 of the FBN1 protein (p.Asp1891His). The aspartic acid residue is highly conserved and there is a moderate physicochemical difference between aspartic acid and histidine. This variant also falls at the last nucleotide of exon 46 of the FBN1 coding sequence, which is part of the consensus splice site for this exon. Algorithms developed to predict the effect of missense changes on protein structure and function are either unavailable or do not agree on the potential impact of this missense change (SIFT: "Deleterious"; PolyPhen-2: "Probably Damaging"; Align-GVGD: "Class C0").

Women's Health and Genetics/Laboratory Corporation of America, LabCorp
Classification: Likely pathogenic for Marfan Syndrome. Last evaluated: 2011-08-18. Review status: criteria provided, single submitter. Criteria: LabCorp Variant Classification Summary - May 2015. Collection method: curation, clinical testing. Allele origin: germline. Inheritance: autosomal unknown. Affected: yes.
ClinVar note: Converted during submission from likely pathogenic to Likely pathogenic.

Literature cited by the submitters: PubMed 17576681 (cited by Labcorp Genetics (formerly Invitae), Labcorp); PubMed 9536098 (cited by Labcorp Genetics (formerly Invitae), Labcorp); PubMed 20886638 (cited by Labcorp Genetics (formerly Invitae), Labcorp).